The following is an entry in ClinVar:

NM_004836.7(EIF2AK3):c.2987T>G (p.Ile996Ser)

Genes: EIF2AK3-AS1 (EIF2AK3 antisense RNA 1; plus strand), EIF2AK3 (eukaryotic translation initiation factor 2 alpha kinase 3; minus strand). Cytogenetic location: 2p11.2.
Variant type: single nucleotide variant.
Coding change: c.2987T>G on transcript NM_004836.7 (MANE Select); coding-DNA position 2987, T replaced by G.
Protein change: p.Ile996Ser; replaces isoleucine 996 with serine.
Molecular consequence: missense variant.
Genome position (GRCh38, 1-based): chr2:88,562,389, A>C on the plus strand (T>G on the coding strand, the complement: EIF2AK3 is on the minus strand). VCF-style: chr2-88562389-A-C. GRCh37 (hg19) VCF-style: chr2-88861907-A-C.
Other names: c.2534T>G, p.Ile845Ser (NM_001313915.2); c.2987T>G (NM_004836.5); short protein forms I996S, I845S.
Identifiers: ClinVar variation 1432281 (VCV001432281.7), dbSNP rs148953825, ClinGen allele CA1754356.

ClinVar aggregate classification (germline): Uncertain significance. Review status: criteria provided, multiple submitters, no conflicts (2 of 4 stars). 3 submissions from 3 submitters: Uncertain significance (3). Last evaluated 2025-12-15.

Conditions:
Inborn genetic diseases. Identifiers: MedGen C0950123, MeSH D030342.
Wolcott-Rallison dysplasia. Also called: Wolcott-Rallison syndrome; MED-IDDM SYNDROME. Identifiers: Orphanet 1667, MedGen C0432217, MONDO:0009192, OMIM 226980.

Allele frequency attached by ClinVar (database versions not stated): gnomAD exomes 0.00003; ExAC 0.00005; ESP Exome Variant Server 0.00008; gnomAD 0.00009 and 0.00010; TOPMed 0.00009.
gnomAD v4.1: 23 of 1,612,486 alleles (0.0014%); highest among the groups gnomAD compares: African/African-American, 0.029%; no homozygotes.

Submissions (3):

Labcorp Genetics (formerly Invitae), Labcorp
Classification: Uncertain significance. Last evaluated: 2025-12-15. Review status: criteria provided, single submitter. Criteria: Invitae Variant Classification Sherloc (09022015). Collection method: clinical testing. Allele origin: germline.
Comment: This sequence change replaces isoleucine, which is neutral and non-polar, with serine, which is neutral and polar, at codon 996 of the EIF2AK3 protein (p.Ile996Ser). This variant is present in population databases (rs148953825, gnomAD 0.05%). This variant has not been reported in the literature in individuals affected with EIF2AK3-related conditions. ClinVar contains an entry for this variant (Variation ID: 1432281). An algorithm developed to predict the effect of missense changes on protein structure and function (PolyPhen-2) suggests that this variant is likely to be tolerated. Algorithms developed to predict the effect of sequence changes on RNA splicing suggest that this variant may disrupt the consensus splice site. In summary, the available evidence is currently insufficient to determine the role of this variant in disease. Therefore, it has been classified as a Variant of Uncertain Significance.

Ambry Genetics
Classification: Uncertain significance for Inborn genetic diseases. Last evaluated: 2025-05-06. Review status: criteria provided, single submitter. Criteria: Ambry Variant Classification Scheme 2023. Collection method: clinical testing. Allele origin: germline.

Fulgent Genetics
Classification: Uncertain significance for Wolcott-Rallison dysplasia. Last evaluated: 2022-04-02. Review status: criteria provided, single submitter. Criteria: ACMG Guidelines, 2015. Collection method: clinical testing. Allele origin: unknown.